The following is an entry in ClinVar:

ClinVar aggregate classification (germline): Uncertain significance (1 of 4 stars; one submission).

Allele frequency attached by ClinVar (database versions not stated): TOPMed below 0.00001; ExAC 0.00001.
gnomAD v4.1: 14 of 1,603,280 alleles (0.00087%); highest among the groups gnomAD compares: Admixed American, 0.0017%; no homozygotes.

Submission:

Labcorp Genetics (formerly Invitae), Labcorp
Classification: Uncertain significance. Last evaluated: 2022-05-13. Review status: criteria provided, single submitter. Criteria: Invitae Variant Classification Sherloc (09022015). Collection method: clinical testing. Allele origin: germline.
Comment: In summary, the available evidence is currently insufficient to determine the role of this variant in disease. Therefore, it has been classified as a Variant of Uncertain Significance. Algorithms developed to predict the effect of missense changes on protein structure and function are either unavailable or do not agree on the potential impact of this missense change (SIFT: "Deleterious"; PolyPhen-2: "Probably Damaging"; Align-GVGD: "Class C15"). This variant has not been reported in the literature in individuals affected with GRM6-related conditions. This variant is present in population databases (rs554079886, gnomAD 0.003%). This sequence change replaces glycine, which is neutral and non-polar, with arginine, which is basic and polar, at codon 545 of the GRM6 protein (p.Gly545Arg).

NM_000843.4(GRM6):c.1633G>A (p.Gly545Arg)

Genes: GRM6 (glutamate metabotropic receptor 6; minus strand), ZNF454 (zinc finger protein 454; plus strand). Cytogenetic location: 5q35.3.
Variant type: single nucleotide variant.
Coding change: c.1633G>A on transcript NM_000843.4 (MANE Select); coding-DNA position 1633, G replaced by A.
Protein change: p.Gly545Arg; replaces glycine 545 with arginine.
Molecular consequence: missense variant.
Genome position (GRCh38, 1-based): chr5:178,986,621, C>T on the plus strand (G>A on the coding strand, the complement: GRM6 is on the minus strand). VCF-style: chr5-178986621-C-T. GRCh37 (hg19) VCF-style: chr5-178413622-C-T.
Other names: short protein forms G545R.
Identifiers: ClinVar variation 1923747 (VCV001923747.5), dbSNP rs554079886, ClinGen allele CA3593971.
Genomic context (GRCh38, chr5:178,986,621, plus strand): 5'-TGGGCCTCATGTCCCCAGGACAGGCCTCGCATGTGAACTCGTCCACCTGGAAGCGGTACC[C>T]GTCACAGGCCTCGCAGTGCCAACAGCAGGGGACGCCCTTCACCATCTTCTTCCGCTCCCC-3'
Protein context (NP_000834.2, residues 535-555): PCCWHCEACD[Gly545Arg]YRFQVDEFTC